The following is an entry in ClinVar:

NM_173500.4(TTBK2):c.144A>C (p.Ala48=)

Gene: TTBK2 (tau tubulin kinase 2; minus strand). Cytogenetic location: 15q15.2.
Variant type: single nucleotide variant.
Coding change: c.144A>C on transcript NM_173500.4 (MANE Select); coding-DNA position 144, A replaced by C.
Protein change: p.Ala48=; no amino-acid change (alanine 48 retained).
Molecular consequence: synonymous variant.
Genome position (GRCh38, 1-based): chr15:42,872,684, T>G on the plus strand (A>C on the coding strand, the complement: TTBK2 is on the minus strand). VCF-style: chr15-42872684-T-G. GRCh37 (hg19) VCF-style: chr15-43164882-T-G.
Identifiers: ClinVar variation 805615 (VCV000805615.19), dbSNP rs183146681, ClinGen allele CA7517569.

ClinVar aggregate classification (germline): Benign/Likely benign. Review status: criteria provided, multiple submitters, no conflicts (2 of 4 stars). 3 submissions from 3 submitters: Benign (2); Likely benign (1). Last evaluated 2025-06-12.

Allele frequency attached by ClinVar (database versions not stated): 1000 Genomes Project 30x 0.00016; 1000 Genomes Project 0.00020; gnomAD 0.00040 and 0.00043; TOPMed 0.00047; ESP Exome Variant Server 0.00050.
gnomAD v4.1: 104 of 1,614,182 alleles (0.0064%); highest among the groups gnomAD compares: African/African-American, 0.11%; no homozygotes.

Submissions (3):

Labcorp Genetics (formerly Invitae), Labcorp
Classification: Benign. Last evaluated: 2025-06-12. Review status: criteria provided, single submitter. Criteria: Invitae Variant Classification Sherloc (09022015). Collection method: clinical testing. Allele origin: germline.

Athena Diagnostics
Classification: Benign. Last evaluated: 2025-01-17. Review status: criteria provided, single submitter. Criteria: Athena Diagnostics Criteria. Collection method: clinical testing. Allele origin: unknown.
Comment: The frequency of this variant in the general population is higher than would generally be expected for pathogenic variants in this gene.

CeGaT Center for Human Genetics Tuebingen
Classification: Likely benign. Last evaluated: 2024-12-01. Review status: criteria provided, single submitter. Criteria: CeGaT Center For Human Genetics Tuebingen Variant Classification Criteria Version 2. Collection method: clinical testing. Allele origin: germline. Affected: yes. Observed: 1 variant allele.
Comment: TTBK2: BP4, BP7, BS1